The following is an entry in ClinVar:

NM_033343.4(LHX4):c.406G>A (p.Gly136Arg)

Gene: LHX4 (LIM homeobox 4; plus strand). Cytogenetic location: 1q25.2.
Variant type: single nucleotide variant.
Coding change: c.406G>A on transcript NM_033343.4 (MANE Select); coding-DNA position 406, G replaced by A.
Protein change: p.Gly136Arg; replaces glycine 136 with arginine.
Molecular consequence: missense variant.
Genome position (GRCh38, 1-based): chr1:180,266,549, G>A. VCF-style: chr1-180266549-G-A. GRCh37 (hg19) VCF-style: chr1-180235684-G-A.
Other names: short protein forms G136R.
Identifiers: ClinVar variation 2511313 (VCV002511313.4), dbSNP rs766579345, ClinGen allele CA1271874.

ClinVar aggregate classification (germline): Uncertain significance. Review status: criteria provided, multiple submitters, no conflicts (2 of 4 stars). 2 submissions from 2 submitters: Uncertain significance (2). Last evaluated 2025-12-04.

Conditions:
Inborn genetic diseases. Identifiers: MedGen C0950123, MeSH D030342.

Allele frequency attached by ClinVar (database versions not stated): ExAC 0.00004; gnomAD 0.00006; TOPMed 0.00006; gnomAD exomes 0.00009.
gnomAD v4.1: 143 of 1,614,206 alleles (0.0089%); highest among the groups gnomAD compares: East Asian, 0.04%; no homozygotes.

Submissions (2):

Ambry Genetics
Classification: Uncertain significance for Inborn genetic diseases. Last evaluated: 2025-12-04. Review status: criteria provided, single submitter. Criteria: Ambry Variant Classification Scheme 2023. Collection method: clinical testing. Allele origin: germline.

Labcorp Genetics (formerly Invitae), Labcorp
Classification: Uncertain significance. Last evaluated: 2025-08-15. Review status: criteria provided, single submitter. Criteria: Invitae Variant Classification Sherloc (09022015). Collection method: clinical testing. Allele origin: germline.
Comment: This sequence change replaces glycine, which is neutral and non-polar, with arginine, which is basic and polar, at codon 136 of the LHX4 protein (p.Gly136Arg). This variant is present in population databases (rs766579345, gnomAD 0.02%). This variant has not been reported in the literature in individuals affected with LHX4-related conditions. ClinVar contains an entry for this variant (Variation ID: 2511313). Invitae Evidence Modeling of protein sequence and biophysical properties (such as structural, functional, and spatial information, amino acid conservation, physicochemical variation, residue mobility, and thermodynamic stability) indicates that this missense variant is not expected to disrupt LHX4 protein function with a negative predictive value of 80%. In summary, the available evidence is currently insufficient to determine the role of this variant in disease. Therefore, it has been classified as a Variant of Uncertain Significance.